The following is an entry in ClinVar:

NM_198334.3(GANAB):c.2110C>T (p.Arg704Ter)

Gene: GANAB (glucosidase II alpha subunit; minus strand). Cytogenetic location: 11q12.3.
Variant type: single nucleotide variant.
Coding change: c.2110C>T on transcript NM_198334.3 (MANE Select); coding-DNA position 2110, C replaced by T.
Protein change: p.Arg704Ter; replaces arginine 704 with a stop codon.
Molecular consequence: nonsense.
Genome position (GRCh38, 1-based): chr11:62,628,839, G>A on the plus strand (C>T on the coding strand, the complement: GANAB is on the minus strand). VCF-style: chr11-62628839-G-A. GRCh37 (hg19) VCF-style: chr11-62396311-G-A.
Other names: c.1834C>T, p.Arg612Ter (NM_001278192.2); c.1768C>T, p.Arg590Ter (NM_001278193.2); c.1819C>T, p.Arg607Ter (NM_001278194.2, NM_001329222.2, NM_001329223.2); c.1387C>T, p.Arg463Ter (NM_001329224.2, NM_001329225.2); c.2176C>T, p.Arg726Ter (NM_198335.4); short protein forms R463*, R590*, R607*, R612*, R704*, R726*.
Identifiers: ClinVar variation 2572928 (VCV002572928.2), dbSNP rs2496316533, ClinGen allele CA380990670.

ClinVar aggregate classification (germline): Pathogenic/Likely pathogenic. Review status: criteria provided, multiple submitters, no conflicts (2 of 4 stars). 2 submissions from 2 submitters: Pathogenic (1); Likely pathogenic (1). Last evaluated 2026-03-02.

Conditions:
GANAB-related disorder. Also called: GANAB-related condition.

Allele frequency attached by ClinVar (database versions not stated): gnomAD exomes below 0.00001.
gnomAD v4.1: 2 of 1,613,864 alleles (0.00012%); highest among the groups gnomAD compares: Non-Finnish European, 0.00017%; no homozygotes.

Submissions (2):

PreventionGenetics, part of Exact Sciences
Classification: Pathogenic for GANAB-related condition. Last evaluated: 2026-03-02. Review status: criteria provided, single submitter. Criteria: ACMG Guidelines, 2015. Collection method: clinical testing. Allele origin: germline.
Comment: The GANAB c.2176C>T variant is predicted to result in premature protein termination (p.Arg726*). This variant has been reported in an individual with polycystic kidney and liver disease (Porath et al. 2016. PubMed ID: 27259053). This variant has not been reported in a large population database (gnomAD), indicating this variant is rare. Nonsense variants in GANAB are expected to be pathogenic. This variant is interpreted as pathogenic.

GeneDx
Classification: Likely pathogenic. Last evaluated: 2023-01-17. Review status: criteria provided, single submitter. Criteria: GeneDx Variant Classification Process June 2021. Collection method: clinical testing. Allele origin: germline. Affected: yes.
Comment: Identified in an individual with polycystic kidney and liver disease but segregation data is unavailable (Porath et al., 2016); Nonsense variant predicted to result in protein truncation or nonsense mediated decay in a gene for which loss of function is a known mechanism of disease; Not observed at significant frequency in large population cohorts (gnomAD); This variant is associated with the following publications: (PMID: 27259053)